The following is an entry in ClinVar:

ClinVar aggregate classification (germline): Pathogenic. Review status: criteria provided, multiple submitters, no conflicts (2 of 4 stars). 5 submissions from 5 submitters: Pathogenic (3). 2 of the submissions do not count toward it. Last evaluated 2024-10-08.

Conditions:
Syndromic intellectual disability. Also called: Intellectual disability syndrome. Identifiers: Orphanet 183763, MedGen C5680525, MONDO:0000508.
CHIME syndrome (CHIME). Also called: GLYCOSYLPHOSPHATIDYLINOSITOL BIOSYNTHESIS DEFECT 5; COLOBOMA, CONGENITAL HEART DISEASE, ICHTHYOSIFORM DERMATOSIS, IMPAIRED INTELLECTUAL DEVELOPMENT, AND EAR ANOMALIES SYNDROME. Identifiers: Orphanet 3474, MedGen C1848392, MONDO:0010221, OMIM 280000.

Allele frequency attached by ClinVar (database versions not stated): ExAC 0.00001; gnomAD exomes 0.00001 and 0.00002; gnomAD 0.00004 and 0.00005; TOPMed 0.00005.
gnomAD v4.1: 39 of 1,612,272 alleles (0.0024%); highest among the groups gnomAD compares: African/African-American, 0.004%; no homozygotes.

Submissions (5):

Victorian Clinical Genetics Services, Murdoch Childrens Research Institute
Classification: Pathogenic for CHIME syndrome. Last evaluated: 2024-10-08. Review status: criteria provided, single submitter. Criteria: ACMG Guidelines, 2015. Collection method: clinical testing. Allele origin: germline. Inheritance: Autosomal recessive inheritance. Affected: yes.
Comment: Based on the classification scheme VCGS_Germline_v1.3.4, this variant is classified as Pathogenic. Following criteria are met: 0102 - Loss of function is a known mechanism of disease in this gene and is associated with CHIME syndrome (MIM#280000). (I) 0106 - This gene is associated with autosomal recessive disease. (I) 0211 - Canonical splice site variant without proven consequence on splicing (no functional evidence available). (SP) 0251 - This variant is heterozygous. (I) 0304 - Variant is present in gnomAD <0.01 for a recessive condition (v3: 7 heterozygotes,0 homozygotes). (SP) 0505 - Abnormal splicing is predicted by in silico tools and affected nucleotide is highly conserved. (SP) 0705 - No comparable splice variants have previous evidence for pathogenicity. (I) 0803 - This variant has limited previous evidence of pathogenicity in an unrelated individual. This variant has been reported to be compound heterozygous with a missense variant, p.(Leu167Pro), in a single individual affected with CHIME syndrome (PMID: 22444671; PMID: 11438011). (SP) 0905 - No published segregation evidence has been identified for this variant. (I) 1010 - Functional evidence for this variant is inconclusive. A fibroblast cell line from an individual with compound heterozygous variants NM_004278.3:c.427-1G>A and NM_004278.3:c.500T>C showed deficiency in cell surface GPI anchor markers, CD59 and aerolysin (PMID: 22444671). (I) 1201 - Heterozygous variant detected in trans with a second pathogenic heterozygous variant (NM_004278.3:c.500T>C) in a recessive disease. (I) Legend: (SP) - Supporting pathogenic, (I) - Information, (SB) - Supporting benign

GeneDx
Classification: Pathogenic. Last evaluated: 2023-12-26. Review status: criteria provided, single submitter. Criteria: GeneDx Variant Classification Process June 2021. Collection method: clinical testing. Allele origin: germline. Affected: yes.
Comment: Canonical splice site variant predicted to result in a null allele in a gene for which loss of function is a known mechanism of disease; Not observed at significant frequency in large population cohorts (gnomAD); This variant is associated with the following publications: (PMID: 22444671)

Labcorp Genetics (formerly Invitae), Labcorp
Classification: Pathogenic. Last evaluated: 2023-03-18. Review status: criteria provided, single submitter. Criteria: Invitae Variant Classification Sherloc (09022015). Collection method: clinical testing. Allele origin: germline.
Comment: ClinVar contains an entry for this variant (Variation ID: 30547). This sequence change affects an acceptor splice site in intron 3 of the PIGL gene. It is expected to disrupt RNA splicing. Variants that disrupt the donor or acceptor splice site typically lead to a loss of protein function (PMID: 16199547), and loss-of-function variants in PIGL are known to be pathogenic (PMID: 22444671). The frequency data for this variant in the population databases is considered unreliable, as metrics indicate poor data quality at this position in the gnomAD database. Disruption of this splice site has been observed in individuals with CHIME syndrome (PMID: 22444671; Invitae). Algorithms developed to predict the effect of sequence changes on RNA splicing suggest that this variant may disrupt the consensus splice site. For these reasons, this variant has been classified as Pathogenic.

Molecular Genetics Laboratory, BC Children's and BC Women's Hospitals
Classification: Pathogenic for Syndromic intellectual disability. Last evaluated: 2025-05-27. Review status: no assertion criteria provided. Criteria: ACMG Guidelines, 2015. Collection method: clinical testing. Allele origin: unknown. Affected: yes. Not counted in ClinVar's aggregate classification.

OMIM
Classification: Pathogenic for COLOBOMA, CONGENITAL HEART DISEASE, ICHTHYOSIFORM DERMATOSIS, IMPAIRED INTELLECTUAL DEVELOPMENT, AND EAR ANOMALIES SYNDROME. Last evaluated: 2012-04-06. Review status: no assertion criteria provided. Collection method: literature only. Allele origin: germline. Not counted in ClinVar's aggregate classification.

Literature cited by the submitters: PubMed 11438011 (cited by Victorian Clinical Genetics Services, Murdoch Childrens Research Institute); PubMed 22444671 (cited by 3 submitters); PubMed 16199547 (cited by Labcorp Genetics (formerly Invitae), Labcorp).

NM_004278.4(PIGL):c.427-1G>A

Gene: PIGL (phosphatidylinositol glycan anchor biosynthesis class L; plus strand). Cytogenetic location: 17p11.2.
Variant type: single nucleotide variant.
Coding change: c.427-1G>A on transcript NM_004278.4 (MANE Select); the canonical splice acceptor site of the intron before coding-DNA position 427, G replaced by A.
Molecular consequence: splice acceptor variant.
Genome position (GRCh38, 1-based): chr17:16,313,546, G>A. VCF-style: chr17-16313546-G-A. GRCh37 (hg19) VCF-style: chr17-16216860-G-A.
Other names: IVS3AS, G-A, -1; c.427-1G>A (NM_001411072.1).
Identifiers: ClinVar variation 30547 (VCV000030547.10), dbSNP rs770084126, ClinGen allele CA8409908.